The following is an entry in ClinVar:

NM_001145026.2(PTPRQ):c.1217C>A (p.Ala406Glu)

Gene: PTPRQ (protein tyrosine phosphatase receptor type Q; plus strand). Cytogenetic location: 12q21.31.
Variant type: single nucleotide variant.
Coding change: c.1217C>A on transcript NM_001145026.2 (MANE Select); coding-DNA position 1217, C replaced by A.
Protein change: p.Ala406Glu; replaces alanine 406 with glutamic acid.
Molecular consequence: missense variant.
Genome position (GRCh38, 1-based): chr12:80,484,463, C>A. VCF-style: chr12-80484463-C-A. GRCh37 (hg19) VCF-style: chr12-80878242-C-A.
Other names: short protein forms A406E.
Identifiers: ClinVar variation 3573522 (VCV003573522.2).
Genomic context (GRCh38, chr12:80,484,463, plus strand): 5'-TTTTCTTTTCTTTCTTTCTTTCTTTCTTAGTTCCAGGGGCAGTGTTTGATTTACAACTTG[C>A]AGAGGTAGAATCCACGCAAGTAAGAATTACTTGGAAGAAACCACGACAACCAAATGGAAT-3'
Protein context (NP_001138498.1, residues 396-416): VPGAVFDLQL[Ala406Glu]EVESTQVRIT

ClinVar aggregate classification (germline): Uncertain significance (1 of 4 stars; one submission).

gnomAD v4.1: 4 of 1,549,916 alleles (0.00026%); highest among the groups gnomAD compares: Admixed American, 0.0079%; no homozygotes.

Submission:

GeneDx
Classification: Uncertain significance. Last evaluated: 2025-12-02. Review status: criteria provided, single submitter. Criteria: GeneDx Variant Classification Process June 2021. Collection method: clinical testing. Allele origin: germline.
Comment: In silico analysis suggests that this missense variant does not alter protein structure/function; Has not been previously published as pathogenic or benign to our knowledge